The following is an entry in ClinVar:

ClinVar aggregate classification (germline): Uncertain significance. Review status: criteria provided, multiple submitters, no conflicts (2 of 4 stars). 2 submissions from 2 submitters: Uncertain significance (2). Last evaluated 2024-12-12.

Conditions:
Inborn genetic diseases. Identifiers: MedGen C0950123, MeSH D030342.

gnomAD v4.1: 1 of 1,576,438 alleles (0.000063%); highest among the groups gnomAD compares: Admixed American, 0.0018%; no homozygotes.

Submissions (2):

Labcorp Genetics (formerly Invitae), Labcorp
Classification: Uncertain significance. Last evaluated: 2024-12-12. Review status: criteria provided, single submitter. Criteria: Invitae Variant Classification Sherloc (09022015). Collection method: clinical testing. Allele origin: germline.
Comment: This sequence change replaces leucine, which is neutral and non-polar, with phenylalanine, which is neutral and non-polar, at codon 420 of the TBCK protein (p.Leu420Phe). The frequency data for this variant in the population databases is considered unreliable, as metrics indicate poor data quality at this position in the gnomAD database. This variant has not been reported in the literature in individuals affected with TBCK-related conditions. ClinVar contains an entry for this variant (Variation ID: 2406823). Invitae Evidence Modeling of protein sequence and biophysical properties (such as structural, functional, and spatial information, amino acid conservation, physicochemical variation, residue mobility, and thermodynamic stability) indicates that this missense variant is not expected to disrupt TBCK protein function with a negative predictive value of 80%. In summary, the available evidence is currently insufficient to determine the role of this variant in disease. Therefore, it has been classified as a Variant of Uncertain Significance.

Ambry Genetics
Classification: Uncertain significance for Inborn genetic diseases. Last evaluated: 2022-06-24. Review status: criteria provided, single submitter. Criteria: Ambry Variant Classification Scheme 2023. Collection method: clinical testing. Allele origin: germline.

NM_001163435.3(TBCK):c.1260G>T (p.Leu420Phe)

Gene: TBCK (TBC1 domain containing kinase; minus strand). Cytogenetic location: 4q24.
Variant type: single nucleotide variant.
Coding change: c.1260G>T on transcript NM_001163435.3 (MANE Select); coding-DNA position 1260, G replaced by T.
Protein change: p.Leu420Phe; replaces leucine 420 with phenylalanine.
Molecular consequence: missense variant.
Genome position (GRCh38, 1-based): chr4:106,236,480, C>A on the plus strand (G>T on the coding strand, the complement: TBCK is on the minus strand). VCF-style: chr4-106236480-C-A. GRCh37 (hg19) VCF-style: chr4-107157637-C-A.
Other names: c.1260G>T, p.Leu420Phe (NM_001163436.4); c.1143G>T, p.Leu381Phe (NM_001163437.3); c.744G>T, p.Leu248Phe (NM_001290768.2); c.1071G>T, p.Leu357Phe (NM_033115.5); short protein forms L248F, L381F, L357F, L420F.
Identifiers: ClinVar variation 2406823 (VCV002406823.3), dbSNP rs1400204291, ClinGen allele CA357823305.